The following is an entry in ClinVar:

NM_182895.5(SCARF2):c.334+5G>C

Gene: SCARF2 (scavenger receptor class F member 2; minus strand). Cytogenetic location: 22q11.21.
Variant type: single nucleotide variant.
Coding change: c.334+5G>C on transcript NM_182895.5 (MANE Select); 5 bases into the intron after coding-DNA position 334, G replaced by C.
Molecular consequence: intron variant.
Genome position (GRCh38, 1-based): chr22:20,431,740, C>G on the plus strand (G>C on the coding strand, the complement: SCARF2 is on the minus strand). VCF-style: chr22-20431740-C-G. GRCh37 (hg19) VCF-style: chr22-20786027-C-G.
Other names: c.334+5G>C (NM_153334.7).
Identifiers: ClinVar variation 3769883 (VCV003769883.1).
Genomic context (GRCh38, chr22:20,431,740, plus strand): 5'-GGACCCCGCCCCATCTCTCCAGGATTCCGCCCCACCGACCAATACCGGCCCGACCCCACG[C>G]TCACTGGTGTCGCAGTTGGCACCGAAGTAGCCGTGGCGGCAGCGGCACTCGCCAGGCCTC-3'

ClinVar aggregate classification (germline): Uncertain significance (1 of 4 stars; one submission).

Submission:

GeneDx
Classification: Uncertain significance. Last evaluated: 2024-09-12. Review status: criteria provided, single submitter. Criteria: GeneDx Variant Classification Process June 2021. Collection method: clinical testing. Allele origin: germline. Affected: yes.
Comment: Not observed at significant frequency in large population cohorts (gnomAD); Intronic +5 splice site variant in a gene for which loss of function is a known mechanism of disease, and both splice predictors and evolutionary conservation support a deleterious effect, although in the absence of functional evidence the actual effect of this sequence change is unknown.; Has not been previously published as pathogenic or benign to our knowledge